The following is an entry in ClinVar:

NM_002432.3(MNDA):c.592C>G (p.Arg198Gly)

Gene: MNDA (myeloid cell nuclear differentiation antigen; plus strand). Cytogenetic location: 1q23.1.
Variant type: single nucleotide variant.
Coding change: c.592C>G on transcript NM_002432.3 (MANE Select); coding-DNA position 592, C replaced by G.
Protein change: p.Arg198Gly; replaces arginine 198 with glycine.
Molecular consequence: missense variant.
Genome position (GRCh38, 1-based): chr1:158,845,608, C>G. VCF-style: chr1-158845608-C-G. GRCh37 (hg19) VCF-style: chr1-158815398-C-G.
Other names: short protein forms R198G.
Identifiers: ClinVar variation 1750542 (VCV001750542.3), dbSNP rs758635073, ClinGen allele CA343040690.
Genomic context (GRCh38, chr1:158,845,608, plus strand): 5'-AAAGTTTTAAGTTTATTTTCTTGTGTCTGCCCAACACAGAATCAGGAAACCCAGGCCCAA[C>G]GGCAGGTGGATGCAAGAAGAAATGTTCCCCAAAACGACCCAGTGACAGTGGTGGTACTGA-3'
Protein context (NP_002423.1, residues 188-208): FTPNQETQAQ[Arg198Gly]QVDARRNVPQ

ClinVar aggregate classification (germline): Uncertain significance (1 of 4 stars; one submission).

gnomAD v4.1: 2 of 1,612,464 alleles (0.00012%); highest among the groups gnomAD compares: East Asian, 0.0022%; no homozygotes.

Submission:

Ambry Genetics
Classification: Uncertain significance. Last evaluated: 2024-04-01. Review status: criteria provided, single submitter. Criteria: Ambry Variant Classification Scheme 2023. Collection method: clinical testing. Allele origin: germline.
Comment: The p.R198G variant (also known as c.592C>G), located in coding exon 4 of the MNDA gene, results from a C to G substitution at nucleotide position 592. The arginine at codon 198 is replaced by glycine, an amino acid with dissimilar properties. This amino acid position is conserved. In addition, this alteration is predicted to be tolerated by in silico analysis. Since supporting evidence is limited at this time, the clinical significance of this alteration remains unclear.